The following is an entry in ClinVar:

NM_003742.4(ABCB11):c.3737C>T (p.Thr1246Ile)

Gene: ABCB11 (ATP binding cassette subfamily B member 11; minus strand). Cytogenetic location: 2q31.1.
Variant type: single nucleotide variant.
Coding change: c.3737C>T on transcript NM_003742.4 (MANE Select); coding-DNA position 3737, C replaced by T.
Protein change: p.Thr1246Ile; replaces threonine 1246 with isoleucine.
Molecular consequence: missense variant.
Genome position (GRCh38, 1-based): chr2:168,924,685, G>A on the plus strand (C>T on the coding strand, the complement: ABCB11 is on the minus strand). VCF-style: chr2-168924685-G-A. GRCh37 (hg19) VCF-style: chr2-169781195-G-A.
Other names: short protein forms T1246I.
Identifiers: ClinVar variation 4846188 (VCV004846188.1).

ClinVar aggregate classification (germline): Uncertain significance (1 of 4 stars; one submission).

Conditions:
Familial intrahepatic cholestasis. Identifiers: Orphanet 284385, MedGen CN296401, MONDO:0017290.

Submission:

Genomenon, Inc
Classification: Uncertain significance for Familial intrahepatic cholestasis. Last evaluated: 2026-04-14. Review status: criteria provided, single submitter. Criteria: Genomenon Sequence Variant Interpretation Standards - Updated. Collection method: curation. Allele origin: germline. Affected: yes.
Comment: ABCB11 p.Thr1246Ile (c.3737C>T) is a missense variant that changes the amino acid at residue 1246 from Threonine to Isoleucine. This variant has been observed in at least one proband with an ABCB11-related disorder (PMID:32087350). It is absent or not present at a significant frequency in gnomAD. In silico models predict that this variant is possibly or probably damaging. In conclusion, we classify ABCB11 p.Thr1246Ile (c.3737C>T) as a variant of uncertain significance.

Literature cited by the submitters: PubMed 32087350.